The following is an entry in ClinVar:

ClinVar aggregate classification (germline): Pathogenic (1 of 4 stars; one submission).

Conditions:
VPS13A-related neurodegenerative disease. Also called: ACANTHOCYTOSIS WITH NEUROLOGIC DISORDER; LEVINE-CRITCHLEY SYNDROME; Choreoacanthocytosis; Chorea-acanthocytosis; Choreaacanthocytosis; VPS13A Disease. Identifiers: Orphanet 2388, MedGen C0393576, MONDO:0008695, OMIM 200150.

Submission:

Myriad Genetics, Inc.
Classification: Pathogenic for VPS13A-related neurodegenerative disease. Last evaluated: 2024-05-14. Review status: criteria provided, single submitter. Criteria: Myriad Autosomal Dominant, Autosomal Recessive and X-Linked Classification Criteria (2023). Collection method: clinical testing. Allele origin: unknown.
Comment: NM_033305.2(VPS13A):c.1740_1741insTTAA(R581Lfs*8) is expected to be pathogenic in the context of VPS13A disease. This variant is predicted to lead to an abnormal or absent protein product due to the creation of a premature termination codon in VPS13A, a gene where loss-of-function variants are known to be pathogenic. Please note: this variant was assessed in the context of healthy population screening.

NM_033305.3(VPS13A):c.1740_1741insTTAA (p.Arg581fs)

Gene: VPS13A (vacuolar protein sorting 13 homolog A; plus strand). Cytogenetic location: 9q21.2.
Variant type: Insertion.
Coding change: c.1740_1741insTTAA on transcript NM_033305.3 (MANE Select); coding-DNA positions 1740 to 1741, TTAA inserted.
Protein change: p.Arg581fs; shifts the reading frame from arginine 581.
Molecular consequence: frameshift variant.
Genome position: GRCh38 VCF-style: chr9-77238146-G-GTTAA. GRCh37 (hg19) VCF-style: chr9-79853062-G-GTTAA.
Other names: c.1740_1741insTTAA, p.Arg581fs (NM_001018037.2, NM_001018038.3, NM_015186.4); short protein forms R581fs.
Identifiers: ClinVar variation 5010745 (VCV005010745.1).